The following is an entry in ClinVar:

ClinVar aggregate classification (germline): Uncertain significance (1 of 4 stars; one submission).

Conditions:
Fetal akinesia deformation sequence 1 (FADS1). Also called: Pena-Shokeir syndrome type I; Fetal akinesia sequence. Identifiers: Orphanet 994, MedGen C1276035, MONDO:0100101, OMIM 208150, HP:0001989.
Congenital myasthenic syndrome 11. Also called: MYASTHENIC SYNDROME, CONGENITAL, Ie; Myasthenic syndrome, congenital, 11, associated with acetylcholine receptor deficiency. Identifiers: Orphanet 590, MedGen C4225367, MONDO:0014588, OMIM 616326.

gnomAD v4.1: 2 of 1,608,848 alleles (0.00012%); highest among the groups gnomAD compares: Admixed American, 0.0033%; no homozygotes.

Submission:

Labcorp Genetics (formerly Invitae), Labcorp
Classification: Uncertain significance for Congenital myasthenic syndrome 11; Fetal akinesia deformation sequence 1. Last evaluated: 2022-03-04. Review status: criteria provided, single submitter. Criteria: Invitae Variant Classification Sherloc (09022015). Collection method: clinical testing. Allele origin: germline.
Comment: This variant has not been reported in the literature in individuals affected with RAPSN-related conditions. This sequence change replaces methionine, which is neutral and non-polar, with leucine, which is neutral and non-polar, at codon 273 of the RAPSN protein (p.Met273Leu). This variant is not present in population databases (gnomAD no frequency). Algorithms developed to predict the effect of missense changes on protein structure and function output the following: SIFT: "Tolerated"; PolyPhen-2: "Benign"; Align-GVGD: "Class C0". The leucine amino acid residue is found in multiple mammalian species, which suggests that this missense change does not adversely affect protein function. In summary, the available evidence is currently insufficient to determine the role of this variant in disease. Therefore, it has been classified as a Variant of Uncertain Significance.

NM_005055.5(RAPSN):c.817A>C (p.Met273Leu)

Gene: RAPSN (receptor associated protein of the synapse; minus strand). Cytogenetic location: 11p11.2.
Variant type: single nucleotide variant.
Coding change: c.817A>C on transcript NM_005055.5 (MANE Select); coding-DNA position 817, A replaced by C.
Protein change: p.Met273Leu; replaces methionine 273 with leucine.
Molecular consequence: missense variant. On other transcripts: intron variant (1).
Genome position (GRCh38, 1-based): chr11:47,441,706, T>G on the plus strand (A>C on the coding strand, the complement: RAPSN is on the minus strand). VCF-style: chr11-47441706-T-G. GRCh37 (hg19) VCF-style: chr11-47463258-T-G.
Other names: c.789+117A>C (NM_032645.5); short protein forms M273L.
Identifiers: ClinVar variation 2106520 (VCV002106520.4), dbSNP rs1397711588, ClinGen allele CA380329703.